The following is an entry in ClinVar:

ClinVar aggregate classification (germline): Uncertain significance (1 of 4 stars; one submission).

gnomAD v4.1: 1 of 1,614,144 alleles (0.000062%); no homozygotes.

Submission:

Labcorp Genetics (formerly Invitae), Labcorp
Classification: Uncertain significance. Last evaluated: 2025-11-18. Review status: criteria provided, single submitter. Criteria: Invitae Variant Classification Sherloc (09022015). Collection method: clinical testing. Allele origin: germline.
Comment: This sequence change replaces aspartic acid, which is acidic and polar, with tyrosine, which is neutral and polar, at codon 1748 of the MYH3 protein (p.Asp1748Tyr). This variant is not present in population databases (gnomAD no frequency). This variant has not been reported in the literature in individuals affected with MYH3-related conditions. Invitae Evidence Modeling of protein sequence and biophysical properties (such as structural, functional, and spatial information, amino acid conservation, physicochemical variation, residue mobility, and thermodynamic stability) indicates that this missense variant is not expected to disrupt MYH3 protein function with a negative predictive value of 95%. Algorithms developed to predict the effect of sequence changes on RNA splicing suggest that this variant may create or strengthen a splice site. In summary, the available evidence is currently insufficient to determine the role of this variant in disease. Therefore, it has been classified as a Variant of Uncertain Significance.

NM_002470.4(MYH3):c.5242G>T (p.Asp1748Tyr)

Gene: MYH3 (myosin heavy chain 3; minus strand). Cytogenetic location: 17p13.1.
Variant type: single nucleotide variant.
Coding change: c.5242G>T on transcript NM_002470.4 (MANE Select); coding-DNA position 5242, G replaced by T.
Protein change: p.Asp1748Tyr; replaces aspartic acid 1748 with tyrosine.
Molecular consequence: missense variant.
Genome position (GRCh38, 1-based): chr17:10,631,655, C>A on the plus strand (G>T on the coding strand, the complement: MYH3 is on the minus strand). VCF-style: chr17-10631655-C-A. GRCh37 (hg19) VCF-style: chr17-10534972-C-A.
Other names: short protein forms D1748Y.
Identifiers: ClinVar variation 4800665 (VCV004800665.1).